The following is an entry in ClinVar:

NM_001267550.2(TTN):c.54406_54409del (p.Gln18136fs)

Genes: TTN-AS1 (TTN antisense RNA 1; plus strand), TTN (titin; minus strand). Cytogenetic location: 2q31.2.
Variant type: Deletion.
Coding change: c.54406_54409del on transcript NM_001267550.2 (MANE Select); coding-DNA positions 54406 to 54409, 4 bases deleted (CAGT; older notation c.54406_54409delCAGT).
Protein change: p.Gln18136fs; shifts the reading frame from glutamine 18136.
Molecular consequence: frameshift variant.
Genome position (GRCh38, 1-based): chr2:178,604,278-178,604,281, ACTG deleted on the plus strand (CAGT on the coding strand, the reverse complement: TTN is on the minus strand); deleting any 4 consecutive bases within chr2:178,604,278-178,604,283 gives the same sequence; the c. name uses the placement nearest the transcript's 3' end. VCF-style (leftmost placement, unchanged base first): chr2-178604277-TACTG-T. GRCh37 (hg19) VCF-style: chr2-179469004-TACTG-T.
Other names: c.49483_49486del, p.Gln16495fs (NM_001256850.1); c.27211_27214del, p.Gln9071fs (NM_003319.4); c.46702_46705del, p.Gln15568fs (NM_133378.4); c.27586_27589del, p.Gln9196fs (NM_133432.3); c.27787_27790del, p.Gln9263fs (NM_133437.4); short protein forms Q15568fs, Q16495fs, Q18136fs, Q9071fs, Q9196fs, Q9263fs.
Identifiers: ClinVar variation 2430248 (VCV002430248.5), dbSNP rs796943170, ClinGen allele CA60979894.

ClinVar aggregate classification (germline): Pathogenic. Review status: criteria provided, single submitter (1 of 4 stars). 2 submissions from 2 submitters: Pathogenic (1). 1 of the submissions does not count toward it. Last evaluated 2023-07-13.

Conditions:
Dilated cardiomyopathy 1G (CMD1G). Identifiers: Orphanet 154, MedGen C1858763, MONDO:0011400, OMIM 604145.

Submissions (2):

Institute of Human Genetics, University of Leipzig Medical Center
Classification: Pathogenic for Dilated cardiomyopathy 1G. Last evaluated: 2023-07-13. Review status: criteria provided, single submitter. Criteria: ACMG Guidelines, 2015. Collection method: clinical testing. Allele origin: maternal. Inheritance: Autosomal dominant inheritance. Affected: yes.
Comment: Criteria applied: PVS1,PS4_SUP,PM2_SUP

Clinical Genetics Laboratory, University Hospital Schleswig-Holstein
Classification: Likely pathogenic for Dilated cardiomyopathy 1G. Last evaluated: 2024-03-18. Review status: no assertion criteria provided. Collection method: clinical testing. Allele origin: germline. Affected: yes. Not counted in ClinVar's aggregate classification.